The following is an entry in ClinVar:

ClinVar aggregate classification (germline): Likely benign. Review status: criteria provided, multiple submitters, no conflicts (2 of 4 stars). 3 submissions from 3 submitters: Likely benign (2). 1 of the submissions does not count toward it. Last evaluated 2025-10-26.

Conditions:
Muscular dystrophy-dystroglycanopathy type B6 (MDDGB6). Also called: MUSCULAR DYSTROPHY-DYSTROGLYCANOPATHY (CONGENITAL WITH IMPAIRED INTELLECTUAL DEVELOPMENT), TYPE B, 6; MUSCULAR DYSTROPHY, CONGENITAL, TYPE 1D; MUSCULAR DYSTROPHY, CONGENITAL, LARGE-RELATED. Identifiers: MedGen C1837229, MONDO:0012138, OMIM 608840.
LARGE1-related disorder. Also called: LARGE1-related condition.

Allele frequency attached by ClinVar (database versions not stated): TOPMed 0.00002; ExAC 0.00003; gnomAD 0.00003; gnomAD exomes 0.00004.
gnomAD v4.1: 51 of 1,614,078 alleles (0.0032%); highest among the groups gnomAD compares: Middle Eastern, 0.016%; no homozygotes.

Submissions (3):

Labcorp Genetics (formerly Invitae), Labcorp
Classification: Likely benign for Muscular dystrophy-dystroglycanopathy type B6. Last evaluated: 2025-10-26. Review status: criteria provided, single submitter. Criteria: Invitae Variant Classification Sherloc (09022015). Collection method: clinical testing. Allele origin: germline.

Blueprint Genetics
Classification: Likely benign. Last evaluated: 2024-09-12. Review status: criteria provided, single submitter. Criteria: ACMG Guidelines, 2015. Collection method: clinical testing. Allele origin: germline.

PreventionGenetics, part of Exact Sciences
Classification: Likely benign for LARGE1-related condition. Last evaluated: 2019-08-13. Review status: no assertion criteria provided. Collection method: clinical testing. Allele origin: germline. Not counted in ClinVar's aggregate classification.
Comment: This variant is classified as likely benign based on ACMG/AMP sequence variant interpretation guidelines (Richards et al. 2015 PMID: 25741868, with internal and published modifications).

NM_133642.5(LARGE1):c.2226C>T (p.Tyr742=)

Gene: LARGE1 (LARGE xylosyl- and glucuronyltransferase 1; minus strand). Cytogenetic location: 22q12.3.
Variant type: single nucleotide variant.
Coding change: c.2226C>T on transcript NM_133642.5 (MANE Select); coding-DNA position 2226, C replaced by T.
Protein change: p.Tyr742=; no amino-acid change (tyrosine 742 retained).
Molecular consequence: synonymous variant.
Genome position (GRCh38, 1-based): chr22:33,274,472, G>A on the plus strand (C>T on the coding strand, the complement: LARGE1 is on the minus strand). VCF-style: chr22-33274472-G-A. GRCh37 (hg19) VCF-style: chr22-33670458-G-A.
Other names: c.2226C>T, p.Tyr742= (NM_001362949.2, NM_001362951.2, NM_001362953.2 and 4 more transcripts); c.2079C>T, p.Tyr693= (NM_001378627.1, NM_001378628.1); c.2070C>T, p.Tyr690= (NM_001378629.1); c.1623C>T, p.Tyr541= (NM_001378630.1); c.1320C>T, p.Tyr440= (NM_001378631.1); c.2226C>T (NM_004737.5).
Identifiers: ClinVar variation 1110828 (VCV001110828.12), dbSNP rs777773303, ClinGen allele CA10202541.
Genomic context (GRCh38, chr22:33,274,472, plus strand): 5'-GTGGGCTTCTTGGTGCTAGCTGTTGTTCTCGGCTGTGAGATATTTCAGGGCAGCAAAGCC[G>A]TAGCGGCGGGACATGTCCTGCTGAAACTCTTCCTTGAGGGTTTTGAGACAGATGCGGTAT-3'
Protein context (NP_598397.1, residues 732-752): EEFQQDMSRR[Tyr742=]GFAALKYLTA